The following is an entry in ClinVar:

NM_005751.5(AKAP9):c.1962A>T (p.Lys654Asn)

Gene: AKAP9 (A-kinase anchoring protein 9; plus strand). Cytogenetic location: 7q21.2.
Variant type: single nucleotide variant.
Coding change: c.1962A>T on transcript NM_005751.5 (MANE Select); coding-DNA position 1962, A replaced by T.
Protein change: p.Lys654Asn; replaces lysine 654 with asparagine.
Molecular consequence: missense variant.
Genome position (GRCh38, 1-based): chr7:92,001,879, A>T. VCF-style: chr7-92001879-A-T. GRCh37 (hg19) VCF-style: chr7-91631193-A-T.
Other names: c.1962A>T, p.Lys654Asn (NM_147185.3); short protein forms K654N.
Identifiers: ClinVar variation 1972162 (VCV001972162.5), dbSNP rs1346184684, ClinGen allele CA368122994.

ClinVar aggregate classification (germline): Uncertain significance (1 of 4 stars; one submission).

Conditions:
Long QT syndrome (LQTS). Identifiers: MedGen C0023976, MeSH D008133, MONDO:0002442. Disease mechanism: loss of function. Inheritance: Various modes of inheritance.

gnomAD v4.1: 1 of 1,613,078 alleles (0.000062%); highest among the groups gnomAD compares: Admixed American, 0.0017%; no homozygotes.

Submission:

Labcorp Genetics (formerly Invitae), Labcorp
Classification: Uncertain significance for Long QT syndrome. Last evaluated: 2022-04-28. Review status: criteria provided, single submitter. Criteria: Invitae Variant Classification Sherloc (09022015). Collection method: clinical testing. Allele origin: germline.
Comment: In summary, the available evidence is currently insufficient to determine the role of this variant in disease. Therefore, it has been classified as a Variant of Uncertain Significance. Algorithms developed to predict the effect of missense changes on protein structure and function are either unavailable or do not agree on the potential impact of this missense change (SIFT: "Tolerated"; PolyPhen-2: "Probably Damaging"; Align-GVGD: "Class C0"). This variant has not been reported in the literature in individuals affected with AKAP9-related conditions. This variant is not present in population databases (gnomAD no frequency). This sequence change replaces lysine, which is basic and polar, with asparagine, which is neutral and polar, at codon 654 of the AKAP9 protein (p.Lys654Asn).